The following is an entry in ClinVar:

ClinVar aggregate classification (germline): Pathogenic (1 of 4 stars; one submission).

Submission:

Labcorp Genetics (formerly Invitae), Labcorp
Classification: Pathogenic. Last evaluated: 2020-03-29. Review status: criteria provided, single submitter. Criteria: Invitae Variant Classification Sherloc (09022015). Collection method: clinical testing. Allele origin: germline.
Comment: This sequence change creates a premature translational stop signal (p.Leu815Phefs*4) in the ABCB11 gene. It is expected to result in an absent or disrupted protein product. This variant is not present in population databases (ExAC no frequency). For these reasons, this variant has been classified as Pathogenic. This variant has not been reported in the literature in individuals with ABCB11-related conditions. Algorithms developed to predict the effect of sequence changes on RNA splicing suggest that this variant may disrupt the consensus splice site, but this prediction has not been confirmed by published transcriptional studies. Loss-of-function variants in ABCB11 are known to be pathogenic (PMID: 18395098, 20232290).

Literature cited by the submitters: PubMed 18395098; PubMed 20232290.

NM_003742.4(ABCB11):c.2443_2448delinsTTCAGTAAGTGATTTA (p.Leu815_Gln816delinsPheSerLysTer)

Gene: ABCB11 (ATP binding cassette subfamily B member 11; minus strand). Cytogenetic location: 2q31.1.
Variant type: Indel.
Coding change: c.2443_2448delinsTTCAGTAAGTGATTTA on transcript NM_003742.4 (MANE Select); coding-DNA positions 2443 to 2448, CTACAG replaced by TTCAGTAAGTGATTTA.
Protein change: p.Leu815_Gln816delinsPheSerLysTer.
Molecular consequence: nonsense.
Genome position (GRCh38, 1-based): chr2:168,944,857-168,944,862, CTGTAG replaced by TAAATCACTTACTGAA on the plus strand (CTACAG replaced by TTCAGTAAGTGATTTA on the coding strand, the reverse complement: ABCB11 is on the minus strand). VCF-style: chr2-168944857-CTGTAG-TAAATCACTTACTGAA. GRCh37 (hg19) VCF-style: chr2-169801367-CTGTAG-TAAATCACTTACTGAA.
Identifiers: ClinVar variation 965313 (VCV000965313.5), dbSNP rs1692230196, ClinGen allele CA1139657335.